The following is an entry in ClinVar:

ClinVar aggregate classification (germline): Uncertain significance (1 of 4 stars; one submission).

Conditions:
Nance-Horan syndrome (NHS). Identifiers: Orphanet 627, MedGen C0796085, MONDO:0010545, OMIM 302350.

Submission:

Labcorp Genetics (formerly Invitae), Labcorp
Classification: Uncertain significance for Nance-Horan syndrome. Last evaluated: 2024-05-14. Review status: criteria provided, single submitter. Criteria: Invitae Variant Classification Sherloc (09022015). Collection method: clinical testing. Allele origin: germline.
Comment: This variant, c.3279_3281del, results in the deletion of 1 amino acid(s) of the NHS protein (p.Asn1093del), but otherwise preserves the integrity of the reading frame. This variant is not present in population databases (gnomAD no frequency). This variant has not been reported in the literature in individuals affected with NHS-related conditions. Experimental studies and prediction algorithms are not available or were not evaluated, and the functional significance of this variant is currently unknown. In summary, the available evidence is currently insufficient to determine the role of this variant in disease. Therefore, it has been classified as a Variant of Uncertain Significance.

NM_001291867.2(NHS):c.3339TAA[1] (p.Asn1114del)

Gene: NHS (NHS actin remodeling regulator; plus strand). Cytogenetic location: Xp22.13.
Variant type: Microsatellite.
Coding change: c.3339TAA[1] on transcript NM_001291867.2 (MANE Select); one copy of the 3-base unit TAA starting at c.3339; the reference has two copies in a row; one copy, 3 bases deleted.
Protein change: p.Asn1114del; deletes asparagine 1114.
Genome position (GRCh38, 1-based): chrX:17,727,448-17,727,450, TAA deleted; deleting any 3 consecutive bases within chrX:17,727,444-17,727,450 gives the same sequence; the position shown is the placement nearest the transcript's 3' end. VCF-style (leftmost placement, unchanged base first): chrX-17727443-CATA-C. GRCh37 (hg19) VCF-style: chrX-17745563-CATA-C.
Other names: c.2808TAA[1], p.Asn937del (NM_001136024.4); c.2745TAA[1], p.Asn916del (NM_001291868.2); c.3276TAA[1], p.Asn1093del (NM_198270.4); short protein forms N916del, N1114del, N1093del, N937del.
Identifiers: ClinVar variation 3638560 (VCV003638560.2).
Genomic context (GRCh38, chrX:17,727,443, plus strand): 5'-GCTCTTCATAATGTCTTGAACAAACCATTCCACCACCGTCATCCACTGCATGTTTTTACT[CATA>C]ATAAGCAGAACACAGTAGGAGAAACACTGAGGTCGAATCCTCCACCGTCCCTTGCAATTA-3'